The following is an entry in ClinVar:

ClinVar aggregate classification (germline): Uncertain significance. Review status: criteria provided, multiple submitters, no conflicts (2 of 4 stars). 2 submissions from 2 submitters: Uncertain significance (2). Last evaluated 2026-01-07.

Conditions:
TOP2B-related disorder. Also called: TOP2B-related condition.

Allele frequency attached by ClinVar (database versions not stated): TOPMed below 0.00001; gnomAD exomes 0.00001; ExAC 0.00003.
gnomAD v4.1: 4 of 1,605,656 alleles (0.00025%); highest among the groups gnomAD compares: Admixed American, 0.0068%; no homozygotes.

Submissions (2):

PreventionGenetics, part of Exact Sciences
Classification: Uncertain significance for TOP2B-related condition. Last evaluated: 2026-01-07. Review status: criteria provided, single submitter. Criteria: ACMG Guidelines, 2015. Collection method: clinical testing. Allele origin: germline.
Comment: The TOP2B c.3508G>A variant is predicted to result in the amino acid substitution p.Gly1170Arg. To our knowledge, this variant has not been reported in the literature. This variant is reported in 0.012% of alleles in individuals of Latino descent in gnomAD. Although we suspect that this variant may be benign, at this time, the clinical significance of this variant is uncertain due to the absence of conclusive functional and genetic evidence.

Labcorp Genetics (formerly Invitae), Labcorp
Classification: Uncertain significance. Last evaluated: 2025-05-12. Review status: criteria provided, single submitter. Criteria: Invitae Variant Classification Sherloc (09022015). Collection method: clinical testing. Allele origin: germline.
Comment: This sequence change replaces glycine, which is neutral and non-polar, with arginine, which is basic and polar, at codon 1165 of the TOP2B protein (p.Gly1165Arg). This variant is present in population databases (rs749242036, gnomAD 0.01%). This variant has not been reported in the literature in individuals affected with TOP2B-related conditions. ClinVar contains an entry for this variant (Variation ID: 2990730). An algorithm developed to predict the effect of missense changes on protein structure and function (PolyPhen-2) suggests that this variant is likely to be tolerated. In summary, the available evidence is currently insufficient to determine the role of this variant in disease. Therefore, it has been classified as a Variant of Uncertain Significance.

NM_001330700.2(TOP2B):c.3508G>A (p.Gly1170Arg)

Gene: TOP2B (DNA topoisomerase II beta; minus strand). Cytogenetic location: 3p24.2.
Variant type: single nucleotide variant.
Coding change: c.3508G>A on transcript NM_001330700.2 (MANE Select); coding-DNA position 3508, G replaced by A.
Protein change: p.Gly1170Arg; replaces glycine 1170 with arginine.
Molecular consequence: missense variant.
Genome position (GRCh38, 1-based): chr3:25,615,288, C>T on the plus strand (G>A on the coding strand, the complement: TOP2B is on the minus strand). VCF-style: chr3-25615288-C-T. GRCh37 (hg19) VCF-style: chr3-25656779-C-T.
Other names: c.3508G>A (NM_001330700.1); c.3493G>A, p.Gly1165Arg (NM_001068.3); short protein forms G1165R, G1170R.
Identifiers: ClinVar variation 2990730 (VCV002990730.4), dbSNP rs749242036, ClinGen allele CA2288293.